The following is an entry in ClinVar:

NM_000179.3(MSH6):c.589G>C (p.Asp197His)

Gene: MSH6 (mutS homolog 6; plus strand). Cytogenetic location: 2p16.3.
Variant type: single nucleotide variant.
Coding change: c.589G>C on transcript NM_000179.3 (MANE Select); coding-DNA position 589, G replaced by C.
Protein change: p.Asp197His; replaces aspartic acid 197 with histidine.
Molecular consequence: missense variant. On other transcripts: 5 prime UTR variant (1), intron variant (2).
Genome position (GRCh38, 1-based): chr2:47,796,025, G>C. VCF-style: chr2-47796025-G-C. GRCh37 (hg19) VCF-style: chr2-48023164-G-C.
Other names: c.-314G>C (NM_001281494.2); c.-279-2586G>C (NM_001281493.2); c.238-2586G>C (NM_001281492.2); short protein forms D197H.
Identifiers: ClinVar variation 525808 (VCV000525808.16), dbSNP rs148517241, ClinGen allele CA46703403.
Genomic context (GRCh38, chr2:47,796,025, plus strand): 5'-CAACGTGCAGATGAAGCCTTAAATAAAGACAAGATTAAGAGGCTTGAATTGGCAGTTTGT[G>C]ATGAGCCCTCAGAGCCAGAAGAGGAAGAAGAGATGGAGGTGGGACACGGCAAGCATTCAG-3'
Protein context (NP_000170.1, residues 187-207): KIKRLELAVC[Asp197His]EPSEPEEEEE

ClinVar aggregate classification (germline): Conflicting classifications of pathogenicity. Review status: criteria provided, conflicting classifications (1 of 4 stars). 6 submissions from 6 submitters: Uncertain significance (5); Benign (1). Last evaluated 2025-10-17.

Conditions:
Mismatch repair cancer syndrome 3. Identifiers: MedGen C5436807, MONDO:0030841, OMIM 619097.
Endometrial carcinoma. Also called: Endometrial carcinoma, somatic. Identifiers: MedGen C0476089, MONDO:0002447, OMIM 608089, HP:0012114.
Lynch syndrome 5 (LYNCH5). Also called: Colorectal cancer, hereditary nonpolyposis, type 5; Hereditary non-polyposis colorectal cancer, type 5. Identifiers: Orphanet 144, MedGen C1833477, MONDO:0013710, OMIM 614350. Disease mechanism: loss of function.
Hereditary nonpolyposis colorectal neoplasms. Identifiers: MedGen C0009405, MeSH D003123.
Hereditary cancer-predisposing syndrome. Also called: Neoplastic Syndromes, Hereditary; Tumor predisposition; Hereditary Cancer Syndrome; Hereditary neoplastic syndrome. Identifiers: Orphanet 140162, MedGen C0027672, MeSH D009386, MONDO:0015356.
Lynch syndrome. Identifiers: Orphanet 144, MedGen C4552100, MONDO:0005835. Disease mechanism: loss of function.

Allele frequency attached by ClinVar (database versions not stated): gnomAD exomes below 0.00001; TOPMed 0.00002; ESP Exome Variant Server 0.00008.
gnomAD v4.1: 3 of 1,614,142 alleles (0.00019%); highest among the groups gnomAD compares: African/African-American, 0.004%; no homozygotes.

Submissions (6):

Labcorp Genetics (formerly Invitae), Labcorp
Classification: Benign for Hereditary nonpolyposis colorectal neoplasms. Last evaluated: 2025-10-17. Review status: criteria provided, single submitter. Criteria: Invitae Variant Classification Sherloc (09022015). Collection method: clinical testing. Allele origin: germline.

Ambry Genetics
Classification: Uncertain significance for Hereditary cancer-predisposing syndrome. Last evaluated: 2024-10-11. Review status: criteria provided, single submitter. Criteria: Ambry Variant Classification Scheme 2023. Collection method: clinical testing. Allele origin: germline.
Comment: The p.D197H variant (also known as c.589G>C), located in coding exon 3 of the MSH6 gene, results from a G to C substitution at nucleotide position 589. The aspartic acid at codon 197 is replaced by histidine, an amino acid with similar properties. This amino acid position is well conserved in available vertebrate species. In addition, this alteration is predicted to be tolerated by in silico analysis. In addition, the CoDP in silico tool predicts this alteration to have minor impact on molecular function, with a score of 0.001 (Terui H et al. J. Biomed. Sci. 2013 Apr;20:25). Since supporting evidence is limited at this time, the clinical significance of this alteration remains unclear.

Color Diagnostics, LLC DBA Color Health
Classification: Uncertain significance for Hereditary cancer-predisposing syndrome. Last evaluated: 2024-03-06. Review status: criteria provided, single submitter. Criteria: ACMG Guidelines, 2015. Collection method: clinical testing. Allele origin: germline.
Comment: This missense variant replaces aspartic acid with histidine at codon 197 of the MSH6 protein. Computational prediction suggests that this variant may not impact protein structure and function (internally defined REVEL score threshold <= 0.5, PMID: 27666373). To our knowledge, functional studies have not been reported for this variant. This variant has not been reported in individuals affected with MSH6-related disorders in the literature. This variant has been identified in 1/251398 chromosomes in the general population by the Genome Aggregation Database (gnomAD). The available evidence is insufficient to determine the role of this variant in disease conclusively. Therefore, this variant is classified as a Variant of Uncertain Significance.

Baylor Genetics
Classification: Uncertain significance for Endometrial carcinoma. Last evaluated: 2023-11-02. Review status: criteria provided, single submitter. Criteria: ACMG Guidelines, 2015. Collection method: clinical testing. Allele origin: unknown.

All of Us Research Program, National Institutes of Health
Classification: Uncertain significance for Lynch syndrome. Last evaluated: 2023-05-30. Review status: criteria provided, single submitter. Criteria: ACMG Guidelines, 2015. Collection method: clinical testing. Allele origin: germline. Inheritance: Autosomal dominant inheritance. Observed: 1 variant allele, 1 heterozygote.
Comment: This missense variant replaces aspartic acid with histidine at codon 197 of the MSH6 protein. Computational prediction suggests that this variant may not impact protein structure and function (internally defined REVEL score threshold <= 0.5, PMID: 27666373). To our knowledge, functional studies have not been reported for this variant. This variant has not been reported in individuals affected with MSH6-related disorders in the literature. This variant has been identified in 1/251398 chromosomes in the general population by the Genome Aggregation Database (gnomAD). The available evidence is insufficient to determine the role of this variant in disease conclusively. Therefore, this variant is classified as a Variant of Uncertain Significance.

This study involves interpretation of variants in research participants for the purpose of population health screening. Participant phenotype was not available at the time of variant classification. Additional details can be found in publication PMID: 35346344, PMCID: PMC8962531

Fulgent Genetics
Classification: Uncertain significance for Endometrial carcinoma; Lynch syndrome 5; Mismatch repair cancer syndrome 3. Last evaluated: 2021-11-08. Review status: criteria provided, single submitter. Criteria: ACMG Guidelines, 2015. Collection method: clinical testing. Allele origin: unknown.